The following is an entry in ClinVar:

NM_005045.4(RELN):c.8920G>A (p.Gly2974Ser)

Genes: RELN (reelin; minus strand), SLC26A5-AS1 (SLC26A5 antisense RNA 1; plus strand). Cytogenetic location: 7q22.1.
Variant type: single nucleotide variant.
Coding change: c.8920G>A on transcript NM_005045.4 (MANE Select); coding-DNA position 8920, G replaced by A.
Protein change: p.Gly2974Ser; replaces glycine 2974 with serine.
Molecular consequence: missense variant.
Genome position (GRCh38, 1-based): chr7:103,497,850, C>T on the plus strand (G>A on the coding strand, the complement: RELN is on the minus strand). VCF-style: chr7-103497850-C-T. GRCh37 (hg19) VCF-style: chr7-103138297-C-T.
Other names: c.8920G>A, p.Gly2974Ser (NM_173054.3); short protein forms G2974S.
Identifiers: ClinVar variation 2577048 (VCV002577048.4), dbSNP rs2484702558, ClinGen allele CA368752415.

ClinVar aggregate classification (germline): Uncertain significance. Review status: criteria provided, multiple submitters, no conflicts (2 of 4 stars). 2 submissions from 2 submitters: Uncertain significance (2). Last evaluated 2023-07-07.

Conditions:
Norman-Roberts syndrome (LIS2). Also called: Lissencephaly 2 (Norman-Roberts type). Identifiers: Orphanet 89844, MedGen C0796089, MONDO:0009760, OMIM 257320.
Familial temporal lobe epilepsy 7. Identifiers: Orphanet 101046, MedGen C4225327, MONDO:0014639, OMIM 616436.

Allele frequency attached by ClinVar (database versions not stated): gnomAD exomes below 0.00001.
gnomAD v4.1: 1 of 1,614,168 alleles (0.000062%); highest among the groups gnomAD compares: South Asian, 0.0011%; no homozygotes.

Submissions (2):

Women's Health and Genetics/Laboratory Corporation of America, LabCorp
Classification: Uncertain significance. Last evaluated: 2023-07-07. Review status: criteria provided, single submitter. Criteria: LabCorp Variant Classification Summary - May 2015. Collection method: clinical testing. Allele origin: germline.
Comment: Variant summary: RELN c.8920G>A (p.Gly2974Ser) results in a non-conservative amino acid change in the encoded protein sequence. Four of five in-silico tools predict a damaging effect of the variant on protein function. The variant was absent in 251096 control chromosomes (gnomAD). The available data on variant occurrences in the general population are insufficient to allow any conclusion about variant significance. To our knowledge, no occurrence of c.8920G>A in individuals affected with Epilepsy Familial Temporal Lobe 7 and no experimental evidence demonstrating its impact on protein function have been reported. No submitters have reported clinical-significance assessments for this variant to ClinVar after 2014. Based on the evidence outlined above, the variant was classified as uncertain significance.

Labcorp Genetics (formerly Invitae), Labcorp
Classification: Uncertain significance for Familial temporal lobe epilepsy 7; Norman-Roberts syndrome. Last evaluated: 2023-05-12. Review status: criteria provided, single submitter. Criteria: Invitae Variant Classification Sherloc (09022015). Collection method: clinical testing. Allele origin: germline.
Comment: In summary, the available evidence is currently insufficient to determine the role of this variant in disease. Therefore, it has been classified as a Variant of Uncertain Significance. This sequence change replaces glycine, which is neutral and non-polar, with serine, which is neutral and polar, at codon 2974 of the RELN protein (p.Gly2974Ser). This variant is not present in population databases (gnomAD no frequency). This variant has not been reported in the literature in individuals affected with RELN-related conditions. Advanced modeling of protein sequence and biophysical properties (such as structural, functional, and spatial information, amino acid conservation, physicochemical variation, residue mobility, and thermodynamic stability) performed at Invitae indicates that this missense variant is not expected to disrupt RELN protein function.